The following is an entry in ClinVar:

ClinVar aggregate classification (germline): Likely pathogenic (1 of 4 stars; one submission).

Conditions:
Peroxisome biogenesis disorder. Identifiers: Orphanet 79189, MedGen C1832200, MONDO:0019234. Disease mechanism: loss of function.

Submission:

Myriad Genetics, Inc.
Classification: Likely pathogenic for Peroxisome biogenesis disorder. Last evaluated: 2022-01-08. Review status: criteria provided, single submitter. Criteria: Myriad Autosomal Dominant, Autosomal Recessive and X-Linked Classification Criteria (2023). Collection method: clinical testing. Allele origin: unknown.
Comment: NM_000466.2(PEX1):c.1468_1469delCT(L490Gfs*3) is expected to be pathogenic in the context of peroxisome biogenesis disorder type 1. This variant is predicted to lead to an abnormal or absent protein product due to the creation of a premature termination codon in PEX1, a gene where loss-of-function variants are known to be pathogenic. Please note: this variant was assessed in the context of healthy population screening.

NM_000466.3(PEX1):c.1468_1469del (p.Leu490fs)

Gene: PEX1 (peroxisomal biogenesis factor 1; minus strand). Cytogenetic location: 7q21.2.
Variant type: Deletion.
Coding change: c.1468_1469del on transcript NM_000466.3 (MANE Select); coding-DNA positions 1468 to 1469, 2 bases deleted (CT; older notation c.1468_1469delCT).
Protein change: p.Leu490fs; shifts the reading frame from leucine 490.
Molecular consequence: frameshift variant.
Genome position (GRCh38, 1-based): chr7:92,511,594-92,511,595, AG deleted on the plus strand (CT on the coding strand, the reverse complement: PEX1 is on the minus strand). VCF-style (leftmost placement, unchanged base first): chr7-92511593-CAG-C. GRCh37 (hg19) VCF-style: chr7-92140907-CAG-C.
Other names: c.1468_1469del, p.Leu490fs (NM_001282677.2); c.844_845del, p.Leu282fs (NM_001282678.2); short protein forms L282fs, L490fs.
Identifiers: ClinVar variation 1723916 (VCV001723916.3), dbSNP rs2484687452, ClinGen allele CA2580078187.
Genomic context (GRCh38, chr7:92,511,593, plus strand): 5'-ACAACTATTTAAATAGAAAAAAAAGTCAAAATAACAAATGTACTCACCATCTTTAGTTTC[CAG>C]CTTAATAAATTCTTCCTCTGATATTACCAAAGGAAGCATGGTGGTAGTAGACTGCTGTAG-3'